The following is an entry in ClinVar:

NM_139058.3(ARX):c.880G>T (p.Glu294Ter)

Gene: ARX (aristaless related homeobox; minus strand). Cytogenetic location: Xp21.3.
Variant type: single nucleotide variant.
Coding change: c.880G>T on transcript NM_139058.3 (MANE Select); coding-DNA position 880, G replaced by T.
Protein change: p.Glu294Ter; replaces glutamic acid 294 with a stop codon.
Molecular consequence: nonsense.
Genome position (GRCh38, 1-based): chrX:25,013,115, C>A on the plus strand (G>T on the coding strand, the complement: ARX is on the minus strand). VCF-style: chrX-25013115-C-A. GRCh37 (hg19) VCF-style: chrX-25031232-C-A.
Other names: short protein forms E294*.
Identifiers: ClinVar variation 3382594 (VCV003382594.4).
Genomic context (GRCh38, chrX:25,013,115, plus strand): 5'-AGAGGCACACGCTGTCCTCGCCGTCCTTGCCCTCAGCGTCTTCCGGGTGCAGCAGCAGCT[C>A]CTCCTTGGGTGACAGCTCCCCGCCCTCTGTGGCCACTGCAGCGGCAGCTGCTGCGGCCAC-3'

ClinVar aggregate classification (germline): Pathogenic. Review status: criteria provided, multiple submitters, no conflicts (2 of 4 stars). 2 submissions from 2 submitters: Pathogenic (2). Last evaluated 2024-04-08.

Conditions:
Developmental and epileptic encephalopathy, 1 (DEE1). Also called: X-linked infantile spasms; West's syndrome; Tonic spasms with clustering, arrest of psychomotor development and hypsarrhythmia on EEG; X-Linked Infantile Spasm Syndrome; Epileptic encephalopathy, early infantile, 1; INFANTILE SPASM SYNDROME, X-LINKED 1. Identifiers: MedGen C3463992, MONDO:0010632, OMIM 308350. Disease mechanism: loss of function.
Intellectual disability, X-linked, with or without seizures, ARX-related. Also called: Mental retardation, X-linked 52; MENTAL RETARDATION, X-LINKED 29; MENTAL RETARDATION, X-LINKED 32; MENTAL RETARDATION, X-LINKED 33; MENTAL RETARDATION, X-LINKED 38; MENTAL RETARDATION, X-LINKED 43. Identifiers: Orphanet 777, MedGen C0796244, MONDO:0010317, OMIM 300419.
X-linked lissencephaly with abnormal genitalia. Identifiers: Orphanet 452, MedGen C1846171, MONDO:0010268, OMIM 300215.

Submissions (2):

Labcorp Genetics (formerly Invitae), Labcorp
Classification: Pathogenic for Developmental and epileptic encephalopathy, 1; Intellectual disability, X-linked, with or without seizures, ARX-related. Last evaluated: 2024-04-08. Review status: criteria provided, single submitter. Criteria: Invitae Variant Classification Sherloc (09022015). Collection method: clinical testing. Allele origin: germline.
Comment: This sequence change creates a premature translational stop signal (p.Glu294*) in the ARX gene. It is expected to result in an absent or disrupted protein product. Loss-of-function variants in ARX are known to be pathogenic (PMID: 19439424, 19738637). This variant is not present in population databases (gnomAD no frequency). This variant has not been reported in the literature in individuals affected with ARX-related conditions. For these reasons, this variant has been classified as Pathogenic.

Juno Genomics, Hangzhou Juno Genomics, Inc
Classification: Pathogenic for X-linked lissencephaly with abnormal genitalia. Review status: criteria provided, single submitter. Criteria: ACMG Guidelines, 2015. Collection method: clinical testing. Allele origin: germline. Affected: yes.
Comment: Absent from controls (or at extremely low frequency if recessive) in Genome Aggregation Database, Exome Sequencing Project, 1000 Genomes Project, or Exome Aggregation Consortium.;Null variant in a gene where loss of function (LOF) is a known mechanism of disease.;Patient's phenotype or family history is highly specific for a disease with a single genetic etiology.

Literature cited by the submitters: PubMed 19439424 (cited by Labcorp Genetics (formerly Invitae), Labcorp); PubMed 19738637 (cited by Labcorp Genetics (formerly Invitae), Labcorp).